The following is an entry in ClinVar:

NM_001242957.3(MAK):c.1775T>C (p.Leu592Pro)

Gene: MAK (male germ cell associated kinase; minus strand). Cytogenetic location: 6p24.2.
Variant type: single nucleotide variant.
Coding change: c.1775T>C on transcript NM_001242957.3 (MANE Select); coding-DNA position 1775, T replaced by C.
Protein change: p.Leu592Pro; replaces leucine 592 with proline.
Molecular consequence: missense variant. On other transcripts: non-coding transcript variant (2), intron variant (2).
Genome position (GRCh38, 1-based): chr6:10,770,128, A>G on the plus strand (T>C on the coding strand, the complement: MAK is on the minus strand). VCF-style: chr6-10770128-A-G. GRCh37 (hg19) VCF-style: chr6-10770361-A-G.
Other names: c.1700T>C, p.Leu567Pro (NM_005906.6); c.1495+5200T>C (NM_001377262.1); c.1597+5200T>C (NM_001242385.2); short protein forms L592P, L567P.
Identifiers: ClinVar variation 2187131 (VCV002187131.4), dbSNP rs771453698, ClinGen allele CA3633357.

ClinVar aggregate classification (germline): Uncertain significance (1 of 4 stars; one submission).

Allele frequency attached by ClinVar (database versions not stated): gnomAD exomes below 0.00001; ExAC 0.00001.

Submission:

Labcorp Genetics (formerly Invitae), Labcorp
Classification: Uncertain significance. Last evaluated: 2022-07-23. Review status: criteria provided, single submitter. Criteria: Invitae Variant Classification Sherloc (09022015). Collection method: clinical testing. Allele origin: germline.
Comment: In summary, the available evidence is currently insufficient to determine the role of this variant in disease. Therefore, it has been classified as a Variant of Uncertain Significance. Advanced modeling of protein sequence and biophysical properties (such as structural, functional, and spatial information, amino acid conservation, physicochemical variation, residue mobility, and thermodynamic stability) performed at Invitae indicates that this missense variant is not expected to disrupt MAK protein function. This variant has not been reported in the literature in individuals affected with MAK-related conditions. This variant is present in population databases (rs771453698, gnomAD 0.0009%). This sequence change replaces leucine, which is neutral and non-polar, with proline, which is neutral and non-polar, at codon 592 of the MAK protein (p.Leu592Pro).